The following is an entry in ClinVar:

NM_000186.4(CFH):c.2247A>G (p.Lys749=)

Gene: CFH (complement factor H; plus strand). Cytogenetic location: 1q31.3.
Variant type: single nucleotide variant.
Coding change: c.2247A>G on transcript NM_000186.4 (MANE Select); coding-DNA position 2247, A replaced by G.
Protein change: p.Lys749=; no amino-acid change (lysine 749 retained).
Molecular consequence: synonymous variant.
Genome position (GRCh38, 1-based): chr1:196,728,356, A>G. VCF-style: chr1-196728356-A-G. GRCh37 (hg19) VCF-style: chr1-196697486-A-G.
Other names: p.Lys749=.
Identifiers: ClinVar variation 2639685 (VCV002639685.29), dbSNP rs373044714, ClinGen allele CA1305621.

ClinVar aggregate classification (germline): Likely benign. Review status: criteria provided, multiple submitters, no conflicts (2 of 4 stars). 6 submissions from 6 submitters: Likely benign (5). 1 of the submissions does not count toward it. Last evaluated 2025-07-30.

Conditions:
CFH-related disorder. Also called: CFH-related condition; CFH-related disorders.

Allele frequency attached by ClinVar (database versions not stated): gnomAD exomes 0.00005; 1000 Genomes Project 30x 0.00016; 1000 Genomes Project 0.00020; ESP Exome Variant Server 0.00023; gnomAD 0.00029; TOPMed 0.00030; ExAC 0.00036.
gnomAD v4.1: 116 of 1,504,212 alleles (0.0077%); highest among the groups gnomAD compares: African/African-American, 0.11%; no homozygotes.

Submissions (6):

Mayo Clinic Laboratories, Mayo Clinic
Classification: Likely benign. Last evaluated: 2025-07-30. Review status: criteria provided, single submitter. Criteria: ACMG Guidelines, 2015. Collection method: clinical testing. Allele origin: germline. Observed: 6 variant alleles.
Comment: BP4, BP7

Women's Health and Genetics/Laboratory Corporation of America, LabCorp
Classification: Likely benign. Last evaluated: 2025-06-19. Review status: criteria provided, single submitter. Criteria: LabCorp Variant Classification Summary - May 2015. Collection method: clinical testing. Allele origin: germline.

Blueprint Genetics
Classification: Likely benign. Last evaluated: 2024-11-22. Review status: criteria provided, single submitter. Criteria: ACMG Guidelines, 2015. Collection method: clinical testing. Allele origin: germline.

CeGaT Center for Human Genetics Tuebingen
Classification: Likely benign. Last evaluated: 2022-04-01. Review status: criteria provided, single submitter. Criteria: CeGaT Center For Human Genetics Tuebingen Variant Classification Criteria Version 2. Collection method: clinical testing. Allele origin: germline. Affected: yes. Observed: 1 variant allele.
Comment: CFH: BP4

Breakthrough Genomics
Classification: Likely benign. Review status: criteria provided, single submitter. Criteria: ACMG Guidelines, 2015. Collection method: not provided. Allele origin: germline. Inheritance: Autosomal recessive inheritance. Affected: yes.

PreventionGenetics, part of Exact Sciences
Classification: Likely benign for CFH-related condition. Last evaluated: 2019-09-13. Review status: no assertion criteria provided. Collection method: clinical testing. Allele origin: germline. Not counted in ClinVar's aggregate classification.
Comment: This variant is classified as likely benign based on ACMG/AMP sequence variant interpretation guidelines (Richards et al. 2015 PMID: 25741868, with internal and published modifications).